The following is an entry in ClinVar:

NM_153006.3(NAGS):c.154G>T (p.Ala52Ser)

Gene: NAGS (N-acetylglutamate synthase; plus strand). Cytogenetic location: 17q21.31.
Variant type: single nucleotide variant.
Coding change: c.154G>T on transcript NM_153006.3 (MANE Select); coding-DNA position 154, G replaced by T.
Protein change: p.Ala52Ser; replaces alanine 52 with serine.
Molecular consequence: missense variant.
Genome position (GRCh38, 1-based): chr17:44,004,817, G>T. VCF-style: chr17-44004817-G-T. GRCh37 (hg19) VCF-style: chr17-42082185-G-T.
Other names: short protein forms A52S.
Identifiers: ClinVar variation 1416131 (VCV001416131.5), dbSNP rs1473994582, ClinGen allele CA399736913.

ClinVar aggregate classification (germline): Uncertain significance (1 of 4 stars; one submission).

Conditions:
Hyperammonemia, type III (NAGSD). Also called: Hyperammonemia due to N-acetylglutamate synthase deficiency. Identifiers: Orphanet 927, MedGen C0268543, MONDO:0009377, OMIM 237310.

Allele frequency attached by ClinVar (database versions not stated): gnomAD exomes 0.00001.

Submission:

Labcorp Genetics (formerly Invitae), Labcorp
Classification: Uncertain significance for Hyperammonemia, type III. Last evaluated: 2022-06-08. Review status: criteria provided, single submitter. Criteria: Invitae Variant Classification Sherloc (09022015). Collection method: clinical testing. Allele origin: germline.
Comment: This sequence change replaces alanine, which is neutral and non-polar, with serine, which is neutral and polar, at codon 52 of the NAGS protein (p.Ala52Ser). This variant is present in population databases (no rsID available, gnomAD 0.005%). This variant has not been reported in the literature in individuals affected with NAGS-related conditions. Algorithms developed to predict the effect of missense changes on protein structure and function (SIFT, PolyPhen-2, Align-GVGD) all suggest that this variant is likely to be tolerated. In summary, the available evidence is currently insufficient to determine the role of this variant in disease. Therefore, it has been classified as a Variant of Uncertain Significance.